The following is an entry in ClinVar:

NM_006306.4(SMC1A):c.3508-2A>G

Gene: SMC1A (structural maintenance of chromosomes 1A; minus strand). Cytogenetic location: Xp11.22.
Variant type: single nucleotide variant.
Coding change: c.3508-2A>G on transcript NM_006306.4 (MANE Select); the canonical splice acceptor site of the intron before coding-DNA position 3508, A replaced by G.
Molecular consequence: splice acceptor variant.
Genome position (GRCh38, 1-based): chrX:53,380,732, T>C on the plus strand (A>G on the coding strand, the complement: SMC1A is on the minus strand). VCF-style: chrX-53380732-T-C. GRCh37 (hg19) VCF-style: chrX-53407653-T-C.
Other names: c.3442-2A>G (NM_001281463.1).
Identifiers: ClinVar variation 1473013 (VCV001473013.8), dbSNP rs2146581345, ClinGen allele CA413242518.

ClinVar aggregate classification (germline): Pathogenic (1 of 4 stars; one submission).

Conditions:
Congenital muscular hypertrophy-cerebral syndrome (CDLS2). Also called: Cornelia de Lange syndrome 2; SMC1A-Related Cornelia de Lange Syndrome. Identifiers: Orphanet 199, MedGen C1802395, MONDO:0010370, OMIM 300590.

Submission:

Labcorp Genetics (formerly Invitae), Labcorp
Classification: Pathogenic for Congenital muscular hypertrophy-cerebral syndrome. Last evaluated: 2024-08-30. Review status: criteria provided, single submitter. Criteria: Invitae Variant Classification Sherloc (09022015). Collection method: clinical testing. Allele origin: germline.
Comment: This sequence change affects an acceptor splice site in intron 23 of the SMC1A gene. It is expected to disrupt RNA splicing. Variants that disrupt the donor or acceptor splice site typically lead to a loss of protein function (PMID: 16199547), and loss-of-function variants in SMC1A are known to be pathogenic (PMID: 26386245, 27334371, 28166369, 28548707, 31334757). This variant is not present in population databases (gnomAD no frequency). Disruption of this splice site has been observed in individual(s) with clinical features of SMC1A-related conditions (internal data). In at least one individual the variant was observed to be de novo. ClinVar contains an entry for this variant (Variation ID: 1473013). Algorithms developed to predict the effect of sequence changes on RNA splicing suggest that this variant may disrupt the consensus splice site. For these reasons, this variant has been classified as Pathogenic.

Literature cited by the submitters: PubMed 16199547; PubMed 26386245; PubMed 27334371; PubMed 28166369; PubMed 28548707; PubMed 31334757.